The following is an entry in ClinVar:

NM_001256545.2(MEGF10):c.1130+13T>C

Gene: MEGF10 (multiple EGF like domains 10; plus strand). Cytogenetic location: 5q23.2.
Variant type: single nucleotide variant.
Coding change: c.1130+13T>C on transcript NM_001256545.2 (MANE Select); 13 bases into the intron after coding-DNA position 1130, T replaced by C.
Molecular consequence: intron variant.
Genome position (GRCh38, 1-based): chr5:127,410,614, T>C. VCF-style: chr5-127410614-T-C. GRCh37 (hg19) VCF-style: chr5-126746306-T-C.
Other names: c.1130+13T>C (NM_032446.3, NM_001308119.2, NM_001308121.2).
Identifiers: ClinVar variation 515326 (VCV000515326.9), dbSNP rs746019129, ClinGen allele CA3391492.

ClinVar aggregate classification (germline): Likely benign. Review status: criteria provided, multiple submitters, no conflicts (2 of 4 stars). 2 submissions from 2 submitters: Likely benign (2). Last evaluated 2025-01-27.

Conditions:
MEGF10-related myopathy (CMYO10A). Also called: Congenital myopathy 10A, severe variant. Identifiers: Orphanet 439212, MedGen C3280679, MONDO:0013731, OMIM 614399.

Allele frequency attached by ClinVar (database versions not stated): ExAC 0.00001; gnomAD exomes 0.00004; TOPMed 0.00005; gnomAD 0.00008 and 0.00009.
gnomAD v4.1: 69 of 1,587,844 alleles (0.0043%); highest among the groups gnomAD compares: Non-Finnish European, 0.0054%; no homozygotes.

Submissions (2):

Labcorp Genetics (formerly Invitae), Labcorp
Classification: Likely benign for MEGF10-related myopathy. Last evaluated: 2025-01-27. Review status: criteria provided, single submitter. Criteria: Invitae Variant Classification Sherloc (09022015). Collection method: clinical testing. Allele origin: germline.

GeneDx
Classification: Likely benign. Last evaluated: 2018-02-07. Review status: criteria provided, single submitter. Criteria: GeneDx Variant Classification (06012015). Collection method: clinical testing. Allele origin: germline. Affected: yes.
Comment: This variant is considered likely benign or benign based on one or more of the following criteria: it is a conservative change, it occurs at a poorly conserved position in the protein, it is predicted to be benign by multiple in silico algorithms, and/or has population frequency not consistent with disease.